The following is an entry in ClinVar:

NM_182961.4(SYNE1):c.7435A>G (p.Lys2479Glu)

Gene: SYNE1 (spectrin repeat containing nuclear envelope protein 1; minus strand). Cytogenetic location: 6q25.2.
Variant type: single nucleotide variant.
Coding change: c.7435A>G on transcript NM_182961.4 (MANE Select); coding-DNA position 7435, A replaced by G.
Protein change: p.Lys2479Glu; replaces lysine 2479 with glutamic acid.
Molecular consequence: missense variant.
Genome position (GRCh38, 1-based): chr6:152,396,896, T>C on the plus strand (A>G on the coding strand, the complement: SYNE1 is on the minus strand). VCF-style: chr6-152396896-T-C. GRCh37 (hg19) VCF-style: chr6-152718031-T-C.
Other names: c.7456A>G, p.Lys2486Glu (NM_033071.5); short protein forms K2486E, K2479E.
Identifiers: ClinVar variation 286922 (VCV000286922.24), dbSNP rs188146577, ClinGen allele CA4057819.
Genomic context (GRCh38, chr6:152,396,896, plus strand): 5'-ATGCTTGAAACTCTTCATTGGCCTTTGTGATTTGTTCTTGAATGCTACTGACAATTTGTT[T>C]AGACAAATGTGCATACAAAGTTTGTCCTTCTTGAGTCACTGCATCAAGTTTGCTCTGCCC-3'
Protein context (NP_892006.3, residues 2469-2489): EGQTLYAHLS[Lys2479Glu]QIVSSIQEQI

ClinVar aggregate classification (germline): Conflicting classifications of pathogenicity. Review status: criteria provided, conflicting classifications (1 of 4 stars). 12 submissions from 11 submitters: Uncertain significance (10); Benign (1); Likely benign (1). Last evaluated 2026-06-25.

Conditions:
SYNE1-related disorder. Also called: SYNE1-related disorders; SYNE1-related disease; SYNE1-related condition.
Inborn genetic diseases. Identifiers: MedGen C0950123, MeSH D030342.
Autosomal recessive ataxia, Beauce type. Also called: Spinocerebellar ataxia, autosomal recessive 8; ATAXIA, RECESSIVE, OF BEAUCE; SYNE1-Related Autosomal Recessive Cerebellar Ataxia; SYNE1 Deficiency. Identifiers: Orphanet 88644, MedGen C1853116, MONDO:0012549, OMIM 610743.
Emery-Dreifuss muscular dystrophy 4, autosomal dominant (EDMD4). Also called: EMERY-DREIFUSS MUSCULAR DYSTROPHY 4 WITH VARIABLE FEATURES. Identifiers: Orphanet 261, MedGen C2751807, MONDO:0013071, OMIM 612998.

Allele frequency attached by ClinVar (database versions not stated): gnomAD exomes 0.00006 and 0.00004; ExAC 0.00012; ESP Exome Variant Server 0.00023; gnomAD 0.00027; TOPMed 0.00039; 1000 Genomes Project 0.00060; 1000 Genomes Project 30x 0.00062.
gnomAD v4.1: 116 of 1,614,234 alleles (0.0072%); highest among the groups gnomAD compares: African/African-American, 0.1%; no homozygotes.

Submissions (12):

PreventionGenetics, part of Exact Sciences
Classification: Uncertain significance for SYNE1-related condition. Last evaluated: 2026-06-25. Review status: criteria provided, single submitter. Criteria: ACMG Guidelines, 2015. Collection method: clinical testing. Allele origin: germline.
Comment: The SYNE1 c.7456A>G variant is predicted to result in the amino acid substitution p.Lys2486Glu. To our knowledge, this variant has not been reported in the literature. This variant is reported in 0.068% of alleles in individuals of African descent in gnomAD. At this time, the clinical significance of this variant is uncertain due to the absence of conclusive functional and genetic evidence.

Women's Health and Genetics/Laboratory Corporation of America, LabCorp
Classification: Uncertain significance. Last evaluated: 2025-06-19. Review status: criteria provided, single submitter. Criteria: LabCorp Variant Classification Summary - May 2015. Collection method: clinical testing. Allele origin: germline.
Comment: Variant summary: SYNE1 c.7456A>G (p.Lys2486Glu) results in a conservative amino acid change in the encoded protein sequence. Algorithms developed to predict the effect of missense changes on protein structure and function are either unavailable or do not agree on the potential impact of this missense change. The variant allele was found at a frequency of 6e-05 in 251298 control chromosomes, predominantly at a frequency of 0.00074 within the African or African-American subpopulation in the gnomAD database. This frequency is not significantly higher than estimated for a pathogenic variant in SYNE1 causing Emery-Dreifuss muscular dystrophy 4, autosomal dominant, allowing no conclusion about variant significance. To our knowledge, no occurrence of c.7456A>G in individuals affected with Emery-Dreifuss muscular dystrophy 4, autosomal dominant and no experimental evidence demonstrating its impact on protein function have been reported. ClinVar contains an entry for this variant (Variation ID: 286922). Based on the evidence outlined above, the variant was classified as uncertain significance.

Blueprint Genetics
Classification: Uncertain significance. Last evaluated: 2024-11-08. Review status: criteria provided, single submitter. Criteria: ACMG Guidelines, 2015. Collection method: clinical testing. Allele origin: germline.

Athena Diagnostics
Classification: Uncertain significance. Last evaluated: 2024-08-27. Review status: criteria provided, single submitter. Criteria: Athena Diagnostics Criteria. Collection method: clinical testing. Allele origin: unknown.
Comment: Available data are insufficient to determine the clinical significance of the variant at this time. The frequency of this variant in the general population is higher than would generally be expected for pathogenic variants in this gene. Polyphen and MutationTaster yielded discordant predictions regarding whether this amino acid change is damaging to the protein.

Revvity Omics, Revvity
Classification: Likely benign. Last evaluated: 2024-01-11. Review status: criteria provided, single submitter. Criteria: ACMG Guidelines, 2015. Collection method: clinical testing. Allele origin: germline.

Labcorp Genetics (formerly Invitae), Labcorp
Classification: Uncertain significance for Emery-Dreifuss muscular dystrophy 4, autosomal dominant; Autosomal recessive ataxia, Beauce type. Last evaluated: 2022-10-17. Review status: criteria provided, single submitter. Criteria: Invitae Variant Classification Sherloc (09022015). Collection method: clinical testing. Allele origin: germline.
Comment: This sequence change replaces lysine, which is basic and polar, with glutamic acid, which is acidic and polar, at codon 2486 of the SYNE1 protein (p.Lys2486Glu). This variant is present in population databases (rs188146577, gnomAD 0.07%). This variant has not been reported in the literature in individuals affected with SYNE1-related conditions. ClinVar contains an entry for this variant (Variation ID: 286922). Algorithms developed to predict the effect of missense changes on protein structure and function are either unavailable or do not agree on the potential impact of this missense change (SIFT: "Deleterious"; PolyPhen-2: "Possibly Damaging"; Align-GVGD: "Class C0"). In summary, the available evidence is currently insufficient to determine the role of this variant in disease. Therefore, it has been classified as a Variant of Uncertain Significance.

Ambry Genetics
Classification: Uncertain significance for Inborn genetic diseases. Last evaluated: 2021-08-02. Review status: criteria provided, single submitter. Criteria: Ambry Variant Classification Scheme 2023. Collection method: clinical testing. Allele origin: germline.

GeneDx
Classification: Uncertain significance. Last evaluated: 2021-05-20. Review status: criteria provided, single submitter. Criteria: GeneDx Variant Classification Process June 2021. Collection method: clinical testing. Allele origin: germline. Affected: yes.
Comment: Has not been previously published as pathogenic or benign to our knowledge; In silico analysis, which includes protein predictors and evolutionary conservation, supports a deleterious effect

Mayo Clinic Laboratories, Mayo Clinic
Classification: Uncertain significance. Last evaluated: 2019-04-15. Review status: criteria provided, single submitter. Criteria: ACMG Guidelines, 2015. Collection method: clinical testing. Allele origin: germline. Observed: 1 variant allele.

Illumina Laboratory Services, Illumina
Classification: Uncertain significance for Autosomal recessive ataxia, Beauce type. Last evaluated: 2018-01-12. Review status: criteria provided, single submitter. Criteria: ICSL Variant Classification Criteria 13 December 2019. Collection method: clinical testing. Allele origin: germline.

Illumina Laboratory Services, Illumina
Classification: Benign for Emery-Dreifuss muscular dystrophy 4, autosomal dominant. Last evaluated: 2018-01-12. Review status: criteria provided, single submitter. Criteria: ICSL Variant Classification Criteria 13 December 2019. Collection method: clinical testing. Allele origin: germline.
Comment: This variant was observed in the ICSL laboratory as part of a predisposition screen in an ostensibly healthy population. It had not been previously curated by ICSL or reported in the Human Gene Mutation Database (HGMD: prior to June 1st, 2018), and was therefore a candidate for classification through an automated scoring system. Utilizing variant allele frequency, disease prevalence and penetrance estimates, and inheritance mode, an automated score was calculated to assess if this variant is too frequent to cause the disease. Based on the score and internal cut-off values, a variant classified as benign is not then subjected to further curation. The score for this variant resulted in a classification of benign for this disease.

Eurofins Ntd Llc (ga)
Classification: Uncertain significance. Last evaluated: 2017-11-22. Review status: criteria provided, single submitter. Criteria: EGL Classification Definitions 2015. Collection method: clinical testing. Allele origin: germline. Observed: 4 variant alleles, 4 heterozygotes.